The following is an entry in ClinVar:

ClinVar aggregate classification (germline): Uncertain significance (1 of 4 stars; one submission).

Submission:

Labcorp Genetics (formerly Invitae), Labcorp
Classification: Uncertain significance. Last evaluated: 2025-06-13. Review status: criteria provided, single submitter. Criteria: Invitae Variant Classification Sherloc (09022015). Collection method: clinical testing. Allele origin: germline.
Comment: This sequence change replaces serine, which is neutral and polar, with asparagine, which is neutral and polar, at codon 303 of the ARHGEF10 protein (p.Ser303Asn). This variant is not present in population databases (gnomAD no frequency). This variant has not been reported in the literature in individuals affected with ARHGEF10-related conditions. An algorithm developed to predict the effect of missense changes on protein structure and function outputs the following: PolyPhen-2: "Benign". The asparagine amino acid residue is found in multiple mammalian species, which suggests that this missense change does not adversely affect protein function. In summary, the available evidence is currently insufficient to determine the role of this variant in disease. Therefore, it has been classified as a Variant of Uncertain Significance.

NM_014629.4(ARHGEF10):c.908G>A (p.Ser303Asn)

Gene: ARHGEF10 (Rho guanine nucleotide exchange factor 10; plus strand). Cytogenetic location: 8p23.3.
Variant type: single nucleotide variant.
Coding change: c.908G>A on transcript NM_014629.4 (MANE Select); coding-DNA position 908, G replaced by A.
Protein change: p.Ser303Asn; replaces serine 303 with asparagine.
Molecular consequence: missense variant. On other transcripts: intron variant (4).
Genome position (GRCh38, 1-based): chr8:1,880,112, G>A. VCF-style: chr8-1880112-G-A. GRCh37 (hg19) VCF-style: chr8-1828278-G-A.
Other names: c.847-2523G>A (NM_001438092.1, NM_001308152.2, NM_001438094.1); c.844-2523G>A (NM_001438093.1); c.911G>A, p.Ser304Asn (NM_001308153.3, NM_001438091.1); short protein forms S304N, S303N, S328N.
Identifiers: ClinVar variation 4763902 (VCV004763902.1).
Genomic context (GRCh38, chr8:1,880,112, plus strand): 5'-CTCATGACCTAACCCGTTTAAAGGAGCACTATGAGAAAAAGATGAGAGATTTGATGGCAA[G>A]CACGGTGGGCGTGGTGGAGATTCAGCAGCTCAGGCAGAAGCATGAACTGAAGGTAGAGTC-3'
Protein context (NP_055444.2, residues 293-313): YEKKMRDLMA[Ser303Asn]TVGVVEIQQL